The following is an entry in ClinVar:

NM_001128840.3(CACNA1D):c.5261C>A (p.Thr1754Lys)

Gene: CACNA1D (calcium voltage-gated channel subunit alpha1 D; plus strand). Cytogenetic location: 3p21.1.
Variant type: single nucleotide variant.
Coding change: c.5261C>A on transcript NM_001128840.3 (MANE Select); coding-DNA position 5261, C replaced by A.
Protein change: p.Thr1754Lys; replaces threonine 1754 with lysine.
Molecular consequence: missense variant.
Genome position (GRCh38, 1-based): chr3:53,801,278, C>A. VCF-style: chr3-53801278-C-A. GRCh37 (hg19) VCF-style: chr3-53835305-C-A.
Other names: c.5321C>A, p.Thr1774Lys (NM_000720.4); c.5216C>A, p.Thr1739Lys (NM_001128839.3); short protein forms T1739K, T1754K, T1774K.
Identifiers: ClinVar variation 1712630 (VCV001712630.6), dbSNP rs1295073545, ClinGen allele CA353250837.

ClinVar aggregate classification (germline): Uncertain significance. Review status: criteria provided, multiple submitters, no conflicts (2 of 4 stars). 2 submissions from 2 submitters: Uncertain significance (2). Last evaluated 2024-11-27.

Allele frequency attached by ClinVar (database versions not stated): TOPMed 0.00002.
gnomAD v4.1: 4 of 1,614,176 alleles (0.00025%); highest among the groups gnomAD compares: Admixed American, 0.0067%; no homozygotes.

Submissions (2):

Labcorp Genetics (formerly Invitae), Labcorp
Classification: Uncertain significance. Last evaluated: 2024-11-27. Review status: criteria provided, single submitter. Criteria: Invitae Variant Classification Sherloc (09022015). Collection method: clinical testing. Allele origin: germline.
Comment: This sequence change replaces threonine, which is neutral and polar, with lysine, which is basic and polar, at codon 1774 of the CACNA1D protein (p.Thr1774Lys). This variant is present in population databases (no rsID available, gnomAD 0.009%). This variant has not been reported in the literature in individuals affected with CACNA1D-related conditions. ClinVar contains an entry for this variant (Variation ID: 1712630). An algorithm developed to predict the effect of missense changes on protein structure and function (PolyPhen-2) suggests that this variant¬†is likely to be tolerated. In summary, the available evidence is currently insufficient to determine the role of this variant in disease. Therefore, it has been classified as a Variant of Uncertain Significance.

GeneDx
Classification: Uncertain significance. Last evaluated: 2022-04-28. Review status: criteria provided, single submitter. Criteria: GeneDx Variant Classification Process June 2021. Collection method: clinical testing. Allele origin: germline. Affected: yes.
Comment: In silico analysis supports that this missense variant has a deleterious effect on protein structure/function; Has not been previously published as pathogenic or benign to our knowledge